The following is an entry in ClinVar:

NM_000538.4(RFXAP):c.58C>T (p.His20Tyr)

Genes: RFXAP (regulatory factor X associated protein; plus strand), LOC130009573 (ATAC-STARR-seq lymphoblastoid silent region 5267; plus strand). Cytogenetic location: 13q13.3.
Variant type: single nucleotide variant.
Coding change: c.58C>T on transcript NM_000538.4 (MANE Select); coding-DNA position 58, C replaced by T.
Protein change: p.His20Tyr; replaces histidine 20 with tyrosine.
Molecular consequence: missense variant.
Genome position (GRCh38, 1-based): chr13:36,819,415, C>T. VCF-style: chr13-36819415-C-T. GRCh37 (hg19) VCF-style: chr13-37393552-C-T.
Other names: short protein forms H20Y.
Identifiers: ClinVar variation 471261 (VCV000471261.10), dbSNP rs1555302467, ClinGen allele CA387852136.

ClinVar aggregate classification (germline): Uncertain significance (1 of 4 stars; one submission).

Conditions:
MHC class II deficiency. Also called: Bare lymphocyte syndrome 2; BLS, TYPE II. Identifiers: Orphanet 572, MedGen C5447452, MONDO:0008855.

Submission:

Labcorp Genetics (formerly Invitae), Labcorp
Classification: Uncertain significance for MHC class II deficiency. Last evaluated: 2022-10-28. Review status: criteria provided, single submitter. Criteria: Invitae Variant Classification Sherloc (09022015). Collection method: clinical testing. Allele origin: germline.
Comment: This variant is not present in population databases (gnomAD no frequency). In summary, the available evidence is currently insufficient to determine the role of this variant in disease. Therefore, it has been classified as a Variant of Uncertain Significance. Algorithms developed to predict the effect of missense changes on protein structure and function (SIFT, PolyPhen-2, Align-GVGD) all suggest that this variant is likely to be tolerated. ClinVar contains an entry for this variant (Variation ID: 471261). This variant has not been reported in the literature in individuals affected with RFXAP-related conditions. This sequence change replaces histidine, which is basic and polar, with tyrosine, which is neutral and polar, at codon 20 of the RFXAP protein (p.His20Tyr).